The following is an entry in ClinVar:

ClinVar aggregate classification (germline): Pathogenic (1 of 4 stars; one submission).

Conditions:
Cystic fibrosis (CF). Also called: MUCOVISCIDOSIS. Identifiers: Orphanet 586, MedGen C0010674, MONDO:0009061, OMIM 219700. Disease mechanism: loss of function.

Submission:

Institute of Human Genetics, University of Leipzig Medical Center
Classification: Pathogenic for Cystic fibrosis. Last evaluated: 2022-09-05. Review status: criteria provided, single submitter. Criteria: ACMG Guidelines, 2015. Collection method: curation. Allele origin: unknown. Affected: yes. Observed: 1 variant allele.
Comment: The variant was classified in the context of a project re-classifying variants in the German Cystic Fibrosis Registry (Muko.e.V.). Criteria applied: PVS1_MOD, PM2_SUP, PM3_STR, PP4

NM_000492.4:c.(3873+1_3874-1)_(3963+1_3964-1)del

Gene: CFTR (CF transmembrane conductance regulator; plus strand).
Variant type: Deletion.
Other names: CFTRdele21; c.(3873+1_3874-1)_(3963+1_3964-1)del (NM_000492.4).
Identifiers: ClinVar variation 1706036 (VCV001706036.1).